The following is an entry in ClinVar:

ClinVar aggregate classification (germline): Uncertain significance (1 of 4 stars; one submission).

gnomAD v4.1: 66 of 1,567,540 alleles (0.0042%); highest among the groups gnomAD compares: African/African-American, 0.07%; no homozygotes.

Submission:

Labcorp Genetics (formerly Invitae), Labcorp
Classification: Uncertain significance. Last evaluated: 2025-10-16. Review status: criteria provided, single submitter. Criteria: Invitae Variant Classification Sherloc (09022015). Collection method: clinical testing. Allele origin: germline.
Comment: This sequence change replaces arginine, which is basic and polar, with histidine, which is basic and polar, at codon 314 of the SLC26A1 protein (p.Arg314His). This variant is present in population databases (rs143894909, gnomAD 0.1%), and has an allele count higher than expected for a pathogenic variant. This variant has not been reported in the literature in individuals affected with SLC26A1-related conditions. Invitae Evidence Modeling of protein sequence and biophysical properties (such as structural, functional, and spatial information, amino acid conservation, physicochemical variation, residue mobility, and thermodynamic stability) indicates that this missense variant is not expected to disrupt SLC26A1 protein function with a negative predictive value of 80%. In summary, the available evidence is currently insufficient to determine the role of this variant in disease. Therefore, it has been classified as a Variant of Uncertain Significance.

NM_022042.4(SLC26A1):c.941G>A (p.Arg314His)

Genes: IDUA (alpha-L-iduronidase; plus strand), SLC26A1 (solute carrier family 26 member 1; minus strand). Cytogenetic location: 4p16.3.
Variant type: single nucleotide variant.
Coding change: c.941G>A on transcript NM_022042.4 (MANE Select); coding-DNA position 941, G replaced by A.
Protein change: p.Arg314His; replaces arginine 314 with histidine.
Molecular consequence: missense variant. On other transcripts: intron variant (2).
Genome position (GRCh38, 1-based): chr4:989,998, C>T on the plus strand (G>A on the coding strand, the complement: SLC26A1 is on the minus strand). VCF-style: chr4-989998-C-T. GRCh37 (hg19) VCF-style: chr4-983786-C-T.
Other names: c.941G>A, p.Arg314His (NM_213613.4); c.576+1130G>A (NM_134425.4); c.299+2049C>T (NM_000203.5); short protein forms R314H.
Identifiers: ClinVar variation 4809774 (VCV004809774.1).
Genomic context (GRCh38, chr4:989,998, plus strand): 5'-TCTGGGACCTGAGGGGGCATGAAACCCGTGGGGATGTCGCCAGCCACGCTCGAGCCAAAG[C>T]GCTTGTGGAGCTGCCCGAAGTGCGACACGAGTGTGGCCACCACGATGACCAGCAGCTCCG-3'
Protein context (NP_071325.2, residues 304-324): LVSHFGQLHK[Arg314His]FGSSVAGDIP